The following is an entry in ClinVar:

NM_001378120.1(MBD5):c.1402G>T (p.Asp468Tyr)

Gene: MBD5 (methyl-CpG binding domain protein 5; plus strand). Cytogenetic location: 2q23.1.
Variant type: single nucleotide variant.
Coding change: c.1402G>T on transcript NM_001378120.1 (MANE Select); coding-DNA position 1402, G replaced by T.
Protein change: p.Asp468Tyr; replaces aspartic acid 468 with tyrosine.
Molecular consequence: missense variant.
Genome position (GRCh38, 1-based): chr2:148,469,345, G>T. VCF-style: chr2-148469345-G-T. GRCh37 (hg19) VCF-style: chr2-149226914-G-T.
Other names: c.1402G>T, p.Asp468Tyr (NM_001438861.1, NM_001438862.1, NM_018328.5 and 7 more transcripts); short protein forms D468Y.
Identifiers: ClinVar variation 5017293 (VCV005017293.1).

ClinVar aggregate classification (germline): Uncertain significance (1 of 4 stars; one submission).

Submission:

GeneDx
Classification: Uncertain significance. Last evaluated: 2026-03-25. Review status: criteria provided, single submitter. Criteria: GeneDx Variant Classification Process June 2021. Collection method: clinical testing. Allele origin: germline.
Comment: Not observed at significant frequency in large population cohorts (gnomAD); In silico analysis supports that this missense variant has a deleterious effect on protein structure/function; Missense variant in a gene in which most reported pathogenic variants are truncating/loss of function; Has not been previously published as pathogenic or benign to our knowledge